The following is an entry in ClinVar:

NM_000441.2(SLC26A4):c.2291del (p.Thr764fs)

Gene: SLC26A4 (solute carrier family 26 member 4; plus strand). Cytogenetic location: 7q22.3.
Variant type: Deletion.
Coding change: c.2291del on transcript NM_000441.2 (MANE Select); coding-DNA position 2291, one base deleted (C; older notation c.2291delC).
Protein change: p.Thr764fs; shifts the reading frame from threonine 764.
Molecular consequence: frameshift variant.
Genome position (GRCh38, 1-based): chr7:107,712,594, C deleted. VCF-style (leftmost placement, unchanged base first): chr7-107712593-AC-A. GRCh37 (hg19) VCF-style: chr7-107353038-AC-A.
Other names: short protein forms T764fs.
Identifiers: ClinVar variation 2501078 (VCV002501078.1), dbSNP rs2535353186, ClinGen allele CA2580617074.
Genomic context (GRCh38, chr7:107,712,593, plus strand): 5'-TTCAAGATCACTCTCATTCAGGATTGTAAAGATACCCTTGAATTAATAGAAACAGAGCTG[AC>A]GGAAGAAGAACTTGATGTCCAGGATGAGGTATGATCATTTTCTTCTGAAGAAAATATTTG-3'

ClinVar aggregate classification (germline): Uncertain significance (1 of 4 stars; one submission).

Submission:

Women's Health and Genetics/Laboratory Corporation of America, LabCorp
Classification: Uncertain significance. Last evaluated: 2023-03-14. Review status: criteria provided, single submitter. Criteria: LabCorp Variant Classification Summary - May 2015. Collection method: clinical testing. Allele origin: germline.
Comment: Variant summary: SLC26A4 c.2291delC (p.Thr764ArgfsX26) causes a frameshift which alters less than 10% of amino acids and results in an extension of the protein. The variant was absent in 251300 control chromosomes. The available data on variant occurrences in the general population are insufficient to allow any conclusion about variant significance. To our knowledge, no occurrence of c.2291delC in individuals affected with Pendred Syndrome and no experimental evidence demonstrating its impact on protein function have been reported. No submitters have provided clinical-significance assessments for this variant to ClinVar after 2014. Based on the evidence outlined above, the variant was classified as uncertain significance.